The following is an entry in ClinVar:

NM_020975.6(RET):c.1426C>T (p.Pro476Ser)

Gene: RET (ret proto-oncogene; plus strand). Cytogenetic location: 10q11.21.
Variant type: single nucleotide variant.
Coding change: c.1426C>T on transcript NM_020975.6 (MANE Select); coding-DNA position 1426, C replaced by T.
Protein change: p.Pro476Ser; replaces proline 476 with serine.
Molecular consequence: missense variant. On other transcripts: intron variant (15).
Genome position (GRCh38, 1-based): chr10:43,111,369, C>T. VCF-style: chr10-43111369-C-T. GRCh37 (hg19) VCF-style: chr10-43606817-C-T.
Other names: c.1426C>T, p.Pro476Ser (NM_000323.2, NM_001406743.1, NM_001406744.1 and 6 more transcripts); c.664C>T, p.Pro222Ser (NM_001355216.2); c.1297C>T, p.Pro433Ser (NM_001406761.1, NM_001406762.1, NM_001406764.1 and 1 more transcripts); c.1138C>T, p.Pro380Ser (NM_001406766.1, NM_001406767.1, NM_001406770.1); c.1030C>T, p.Pro344Ser (NM_001406769.1, NM_001406772.1); c.988C>T, p.Pro330Ser (NM_001406771.1, NM_001406773.1); c.901C>T, p.Pro301Ser (NM_001406774.1); c.700C>T, p.Pro234Ser (NM_001406775.1, NM_001406776.1, NM_001406777.1 and 1 more transcripts); and 5 more; short protein forms P146S, P380S, P301S, P222S, P234S, P330S, P433S, P476S.
Identifiers: ClinVar variation 2587877 (VCV002587877.3), dbSNP rs1588871312, ClinGen allele CA376549551.

ClinVar aggregate classification (germline): Uncertain significance (1 of 4 stars; one submission).

Conditions:
Hereditary cancer-predisposing syndrome. Also called: Tumor predisposition; Hereditary Cancer Syndrome; Hereditary neoplastic syndrome; Neoplastic Syndromes, Hereditary. Identifiers: Orphanet 140162, MedGen C0027672, MeSH D009386, MONDO:0015356.

Submission:

Ambry Genetics
Classification: Uncertain significance for Hereditary cancer-predisposing syndrome. Last evaluated: 2025-10-06. Review status: criteria provided, single submitter. Criteria: Ambry Variant Classification Scheme 2023. Collection method: clinical testing. Allele origin: germline.
Comment: The p.P476S variant (also known as c.1426C>T), located in coding exon 7 of the RET gene, results from a C to T substitution at nucleotide position 1426. The proline at codon 476 is replaced by serine, an amino acid with similar properties. This amino acid position is well conserved in available vertebrate species. In addition, this alteration is predicted to be tolerated by in silico analysis. Based on the available evidence, the clinical significance of this variant remains unclear.